The following is an entry in ClinVar:

ClinVar aggregate classification (germline): Conflicting classifications of pathogenicity. Review status: criteria provided, conflicting classifications (1 of 4 stars). 2 submissions from 2 submitters: Uncertain significance (1); Likely benign (1). Last evaluated 2023-05-04.

Conditions:
Lynch syndrome. Identifiers: Orphanet 144, MedGen C4552100, MONDO:0005835. Disease mechanism: loss of function.
Hereditary nonpolyposis colorectal neoplasms. Identifiers: MedGen C0009405, MeSH D003123.

Submissions (2):

All of Us Research Program, National Institutes of Health
Classification: Likely benign for Lynch syndrome. Last evaluated: 2023-05-04. Review status: criteria provided, single submitter. Criteria: ACMG Guidelines, 2015. Collection method: clinical testing. Allele origin: germline. Inheritance: Autosomal dominant inheritance. Observed: 1 variant allele, 1 heterozygote.
Comment: This study involves interpretation of variants in research participants for the purpose of population health screening. Participant phenotype was not available at the time of variant classification. Additional details can be found in publication PMID: 35346344, PMCID: PMC8962531

Labcorp Genetics (formerly Invitae), Labcorp
Classification: Uncertain significance for Hereditary nonpolyposis colorectal neoplasms. Last evaluated: 2020-06-07. Review status: criteria provided, single submitter. Criteria: Invitae Variant Classification Sherloc (09022015). Collection method: clinical testing. Allele origin: germline.
Comment: In summary, the available evidence is currently insufficient to determine the role of this variant in disease. Therefore, it has been classified as a Variant of Uncertain Significance. Algorithms developed to predict the effect of sequence changes on RNA splicing suggest that this variant is not likely to affect RNA splicing, but this prediction has not been confirmed by published transcriptional studies. This variant has not been reported in the literature in individuals with MSH6-related conditions. This variant is not present in population databases (ExAC no frequency). This sequence change affects codon 1185 of the MSH6 mRNA. It is a 'silent' change, meaning that it does not change the encoded amino acid sequence of the MSH6 protein.

NM_000179.3(MSH6):c.3555A>C (p.Ser1185=)

Gene: MSH6 (mutS homolog 6; plus strand). Cytogenetic location: 2p16.3.
Variant type: single nucleotide variant.
Coding change: c.3555A>C on transcript NM_000179.3 (MANE Select); coding-DNA position 3555, A replaced by C.
Protein change: p.Ser1185=; no amino-acid change (serine 1185 retained).
Molecular consequence: synonymous variant.
Genome position (GRCh38, 1-based): chr2:47,805,026, A>C. VCF-style: chr2-47805026-A-C. GRCh37 (hg19) VCF-style: chr2-48032165-A-C.
Other names: c.3165A>C, p.Ser1055= (NM_001281492.2); c.2649A>C, p.Ser883= (NM_001281493.2, NM_001281494.2).
Identifiers: ClinVar variation 935083 (VCV000935083.11), dbSNP rs1669881416, ClinGen allele CA425997252.
Genomic context (GRCh38, chr2:47,805,026, plus strand): 5'-CAGGCTCACACCAATTGATAGAGTGTTTACTAGACTTGGTGCCTCAGACAGAATAATGTC[A>C]GGTGAGTTTTTTGTTTCCCACTTAAGTTCTCATTCAGTCATTTAGATGTGATAAAAGATA-3'
Protein context (NP_000170.1, residues 1175-1195): TRLGASDRIM[Ser1185=]GESTFFVELS